The following is an entry in ClinVar:

NM_015978.3(TNNI3K):c.587G>A (p.Ser196Asn)

Genes: FPGT-TNNI3K (FPGT-TNNI3K readthrough; plus strand), TNNI3K (TNNI3 interacting kinase; plus strand). Cytogenetic location: 1p31.1.
Variant type: single nucleotide variant.
Coding change: c.587G>A on transcript NM_015978.3 (MANE Select); coding-DNA position 587, G replaced by A.
Protein change: p.Ser196Asn; replaces serine 196 with asparagine.
Molecular consequence: missense variant.
Genome position (GRCh38, 1-based): chr1:74,336,054, G>A. VCF-style: chr1-74336054-G-A. GRCh37 (hg19) VCF-style: chr1-74801738-G-A.
Other names: c.890G>A, p.Ser297Asn (NM_001112808.3, NM_001199327.2); short protein forms S297N, S196N.
Identifiers: ClinVar variation 4776986 (VCV004776986.1).

ClinVar aggregate classification (germline): Uncertain significance (1 of 4 stars; one submission).

Submission:

Labcorp Genetics (formerly Invitae), Labcorp
Classification: Uncertain significance. Last evaluated: 2025-10-21. Review status: criteria provided, single submitter. Criteria: Invitae Variant Classification Sherloc (09022015). Collection method: clinical testing. Allele origin: germline.
Comment: This sequence change replaces serine, which is neutral and polar, with asparagine, which is neutral and polar, at codon 196 of the TNNI3K protein (p.Ser196Asn). This variant is present in population databases (no rsID available, gnomAD 0.0009%). This variant has not been reported in the literature in individuals affected with TNNI3K-related conditions. Invitae Evidence Modeling of protein sequence and biophysical properties (such as structural, functional, and spatial information, amino acid conservation, physicochemical variation, residue mobility, and thermodynamic stability) indicates that this missense variant is not expected to disrupt TNNI3K protein function with a negative predictive value of 80%. In summary, the available evidence is currently insufficient to determine the role of this variant in disease. Therefore, it has been classified as a Variant of Uncertain Significance.